The following is an entry in ClinVar:

ClinVar aggregate classification (germline): Benign. Review status: criteria provided, multiple submitters, no conflicts (2 of 4 stars). 6 submissions from 6 submitters: Benign (5). 1 of the submissions does not count toward it. Last evaluated 2026-02-04.

Conditions:
Corneal dystrophy. Identifiers: Orphanet 34533, MedGen C0010036, MONDO:0018102, HP:0001131.
Corneal dystrophy-perceptive deafness syndrome (CDPD). Also called: CORNEAL DYSTROPHY AND SENSORINEURAL DEAFNESS; HARBOYAN SYNDROME. Identifiers: Orphanet 1490, MedGen C1857572, MONDO:0009015, OMIM 217400.

Allele frequency attached by ClinVar (database versions not stated): gnomAD exomes 0.01869 and 0.03863; ExAC 0.04150; ESP Exome Variant Server 0.05911; gnomAD 0.06274 and 0.06288; TOPMed 0.07082; 1000 Genomes Project 30x 0.11446; 1000 Genomes Project 0.11601.
gnomAD v4.1: 37,913 of 1,612,410 alleles (2.4%); highest among the groups gnomAD compares: East Asian, 24%; 2,771 homozygotes.

Submissions (6):

Labcorp Genetics (formerly Invitae), Labcorp
Classification: Benign. Last evaluated: 2026-02-04. Review status: criteria provided, single submitter. Criteria: Invitae Variant Classification Sherloc (09022015). Collection method: clinical testing. Allele origin: germline.

Mayo Clinic Laboratories, Mayo Clinic
Classification: Benign. Last evaluated: 2022-11-10. Review status: criteria provided, single submitter. Criteria: ACMG Guidelines, 2015. Collection method: clinical testing. Allele origin: germline. Observed: 2 variant alleles.

Athena Diagnostics
Classification: Benign. Last evaluated: 2018-09-14. Review status: criteria provided, single submitter. Criteria: Athena Diagnostics Criteria. Collection method: clinical testing. Allele origin: germline.

Illumina Laboratory Services, Illumina
Classification: Benign for Corneal dystrophy. Last evaluated: 2018-01-13. Review status: criteria provided, single submitter. Criteria: ICSL Variant Classification Criteria 13 December 2019. Collection method: clinical testing. Allele origin: germline.
Comment: This variant was observed in the ICSL laboratory as part of a predisposition screen in an ostensibly healthy population. It had not been previously curated by ICSL or reported in the Human Gene Mutation Database (HGMD: prior to June 1st, 2018), and was therefore a candidate for classification through an automated scoring system. Utilizing variant allele frequency, disease prevalence and penetrance estimates, and inheritance mode, an automated score was calculated to assess if this variant is too frequent to cause the disease. Based on the score and internal cut-off values, a variant classified as benign is not then subjected to further curation. The score for this variant resulted in a classification of benign for this disease.

Breakthrough Genomics
Classification: Benign. Review status: criteria provided, single submitter. Criteria: ACMG Guidelines, 2015. Collection method: not provided. Allele origin: germline. Inheritance: Autosomal recessive inheritance. Affected: yes.

Natera, Inc.
Classification: Benign for Harboyan syndrome. Last evaluated: 2020-09-16. Review status: no assertion criteria provided. Collection method: clinical testing. Allele origin: germline. Not counted in ClinVar's aggregate classification.

NM_001174089.2(SLC4A11):c.2193-4G>A

Gene: SLC4A11 (solute carrier family 4 member 11; minus strand). Cytogenetic location: 20p13.
Variant type: single nucleotide variant.
Coding change: c.2193-4G>A on transcript NM_001174089.2 (MANE Select); 4 bases into the intron before coding-DNA position 2193, G replaced by A.
Molecular consequence: intron variant.
Genome position (GRCh38, 1-based): chr20:3,228,711, C>T on the plus strand (G>A on the coding strand, the complement: SLC4A11 is on the minus strand). VCF-style: chr20-3228711-C-T. GRCh37 (hg19) VCF-style: chr20-3209357-C-T.
Other names: p.?; c.2079-4G>A (NM_001363745.2); c.2322-4G>A (NM_001174090.2); c.2241-4G>A (NM_032034.4).
Identifiers: ClinVar variation 338239 (VCV000338239.17), dbSNP rs10048856, ClinGen allele CA9741530.